The following is an entry in ClinVar:

ClinVar aggregate classification (germline): Pathogenic (1 of 4 stars; one submission).

Conditions:
Autosomal recessive limb-girdle muscular dystrophy type 2D (LGMDR3). Also called: DUCHENNE-LIKE AUTOSOMAL RECESSIVE MUSCULAR DYSTROPHY, TYPE 2; MUSCULAR DYSTROPHY, LIMB-GIRDLE, AUTOSOMAL RECESSIVE 3; ADHALINOPATHY, PRIMARY. Identifiers: Orphanet 62, MedGen C2936332, MONDO:0011968, OMIM 608099. Disease mechanism: Affects gamma-sarcoglycan and also disrupts the integrity of the entire sarcoglycan complex..

Submission:

Labcorp Genetics (formerly Invitae), Labcorp
Classification: Pathogenic for Autosomal recessive limb-girdle muscular dystrophy type 2D. Last evaluated: 2022-12-16. Review status: criteria provided, single submitter. Criteria: Invitae Variant Classification Sherloc (09022015). Collection method: clinical testing. Allele origin: germline.
Comment: For these reasons, this variant has been classified as Pathogenic. This variant has not been reported in the literature in individuals affected with SGCA-related conditions. This variant is not present in population databases (gnomAD no frequency). This sequence change creates a premature translational stop signal (p.Leu10Argfs*32) in the SGCA gene. It is expected to result in an absent or disrupted protein product. Loss-of-function variants in SGCA are known to be pathogenic (PMID: 9192266).

Literature cited by the submitters: PubMed 9192266.

NM_000023.4(SGCA):c.29_33del (p.Leu10fs)

Gene: SGCA (sarcoglycan alpha; plus strand). Cytogenetic location: 17q21.33.
Variant type: Microsatellite.
Coding change: c.29_33del on transcript NM_000023.4 (MANE Select); coding-DNA positions 29 to 33, 5 bases deleted (TCCTC; older notation c.29_33delTCCTC).
Protein change: p.Leu10fs; shifts the reading frame from leucine 10.
Molecular consequence: frameshift variant. On other transcripts: non-coding transcript variant (1).
Genome position (GRCh38, 1-based): chr17:50,166,069-50,166,073, TCCTC deleted; deleting any 5 consecutive bases within chr17:50,166,063-50,166,073 gives the same sequence; the c. name uses the placement nearest the transcript's 3' end. VCF-style (leftmost placement, unchanged base first): chr17-50166062-ACTCCT-A. GRCh37 (hg19) VCF-style: chr17-48243423-ACTCCT-A.
Other names: c.29_33del, p.Leu10fs (NM_001135697.3); short protein forms L10fs.
Identifiers: ClinVar variation 2821596 (VCV002821596.3), dbSNP rs2509113948, ClinGen allele CA2739268211.